The following is an entry in ClinVar:

ClinVar aggregate classification (germline): Uncertain significance (1 of 4 stars; one submission).

Conditions:
Familial hemophagocytic lymphohistiocytosis 2 (FHL2). Also called: PRF1-Related Familial Hemophagocytic Lymphohistiocytosis (PRF1-fHLH). Identifiers: Orphanet 540, MedGen C1863727, MONDO:0011337, OMIM 603553.

Allele frequency attached by ClinVar (database versions not stated): gnomAD exomes 0.00002 and 0.00004; TOPMed 0.00003; gnomAD 0.00004; ExAC 0.00006; ESP Exome Variant Server 0.00008.

Submission:

Labcorp Genetics (formerly Invitae), Labcorp
Classification: Uncertain significance for Familial hemophagocytic lymphohistiocytosis 2. Last evaluated: 2021-09-10. Review status: criteria provided, single submitter. Criteria: Invitae Variant Classification Sherloc (09022015). Collection method: clinical testing. Allele origin: germline.
Comment: This sequence change replaces arginine with cysteine at codon 520 of the PRF1 protein (p.Arg520Cys). The arginine residue is weakly conserved and there is a large physicochemical difference between arginine and cysteine. This variant is present in population databases (rs377162454, ExAC 0.01%). This variant has not been reported in the literature in individuals affected with PRF1-related conditions. Algorithms developed to predict the effect of missense changes on protein structure and function are either unavailable or do not agree on the potential impact of this missense change (SIFT: "Tolerated"; PolyPhen-2: "Possibly Damaging"; Align-GVGD: "Class C0"). In summary, the available evidence is currently insufficient to determine the role of this variant in disease. Therefore, it has been classified as a Variant of Uncertain Significance.

NM_001083116.3(PRF1):c.1558C>T (p.Arg520Cys)

Gene: PRF1 (perforin 1; minus strand). Cytogenetic location: 10q22.1.
Variant type: single nucleotide variant.
Coding change: c.1558C>T on transcript NM_001083116.3 (MANE Select); coding-DNA position 1558, C replaced by T.
Protein change: p.Arg520Cys; replaces arginine 520 with cysteine.
Molecular consequence: missense variant.
Genome position (GRCh38, 1-based): chr10:70,598,163, G>A on the plus strand (C>T on the coding strand, the complement: PRF1 is on the minus strand). VCF-style: chr10-70598163-G-A. GRCh37 (hg19) VCF-style: chr10-72357919-G-A.
Other names: c.1558C>T, p.Arg520Cys (NM_005041.6); short protein forms R520C.
Identifiers: ClinVar variation 847419 (VCV000847419.7), dbSNP rs377162454, ClinGen allele CA5538724.